The following is an entry in ClinVar:

NM_005591.4(MRE11):c.1898G>A (p.Arg633Gln)

Gene: MRE11 (MRE11 double strand break repair nuclease; minus strand). Cytogenetic location: 11q21.
Variant type: single nucleotide variant.
Coding change: c.1898G>A on transcript NM_005591.4 (MANE Select); coding-DNA position 1898, G replaced by A.
Protein change: p.Arg633Gln; replaces arginine 633 with glutamine.
Molecular consequence: missense variant.
Genome position (GRCh38, 1-based): chr11:94,437,205, C>T on the plus strand (G>A on the coding strand, the complement: MRE11 is on the minus strand). VCF-style: chr11-94437205-C-T. GRCh37 (hg19) VCF-style: chr11-94170371-C-T.
Other names: c.1895G>A, p.Arg632Gln (NM_001330347.2); c.1814G>A, p.Arg605Gln (NM_005590.4); short protein forms R633Q, R605Q, R632Q.
Identifiers: ClinVar variation 479731 (VCV000479731.14), dbSNP rs745614941, ClinGen allele CA6234963.

ClinVar aggregate classification (germline): Uncertain significance. Review status: criteria provided, multiple submitters, no conflicts (2 of 4 stars). 4 submissions from 4 submitters: Uncertain significance (4). Last evaluated 2025-11-09.

Conditions:
Hereditary cancer-predisposing syndrome. Also called: Hereditary Cancer Syndrome; Neoplastic Syndromes, Hereditary; Tumor predisposition; Hereditary neoplastic syndrome. Identifiers: Orphanet 140162, MedGen C0027672, MeSH D009386, MONDO:0015356.
Ataxia-telangiectasia-like disorder (ATLD). Identifiers: MedGen C1858391, MONDO:0011457.
Ataxia-telangiectasia-like disorder 1 (ATLD1). Identifiers: Orphanet 251347, MedGen C4012790, MONDO:0024557, OMIM 604391.

Allele frequency attached by ClinVar (database versions not stated): gnomAD below 0.00001 and 0.00001; TOPMed 0.00001; ExAC 0.00002; gnomAD exomes 0.00002.
gnomAD v4.1: 47 of 1,612,686 alleles (0.0029%); highest among the groups gnomAD compares: South Asian, 0.031%; no homozygotes.

Submissions (4):

Ambry Genetics
Classification: Uncertain significance for Hereditary cancer-predisposing syndrome. Last evaluated: 2025-11-09. Review status: criteria provided, single submitter. Criteria: Ambry Variant Classification Scheme 2023. Collection method: clinical testing. Allele origin: germline.
Comment: The p.R633Q variant (also known as c.1898G>A), located in coding exon 16 of the MRE11A gene, results from a G to A substitution at nucleotide position 1898. The arginine at codon 633 is replaced by glutamine, an amino acid with highly similar properties. This amino acid position is not well conserved in available vertebrate species and glutamine is the reference amino acid in multiple mammalian species. In addition, this alteration is predicted to be tolerated by in silico analysis. Since supporting evidence is limited at this time, the clinical significance of this alteration remains unclear.

Fulgent Genetics
Classification: Uncertain significance for Ataxia-telangiectasia-like disorder 1. Last evaluated: 2024-04-29. Review status: criteria provided, single submitter. Criteria: ACMG Guidelines, 2015. Collection method: clinical testing. Allele origin: germline.

Baylor Genetics
Classification: Uncertain significance for Ataxia-telangiectasia-like disorder 1. Last evaluated: 2023-12-21. Review status: criteria provided, single submitter. Criteria: ACMG Guidelines, 2015. Collection method: clinical testing. Allele origin: unknown.

Labcorp Genetics (formerly Invitae), Labcorp
Classification: Uncertain significance for Ataxia-telangiectasia-like disorder. Last evaluated: 2022-10-17. Review status: criteria provided, single submitter. Criteria: Invitae Variant Classification Sherloc (09022015). Collection method: clinical testing. Allele origin: germline.
Comment: This sequence change replaces arginine, which is basic and polar, with glutamine, which is neutral and polar, at codon 633 of the MRE11 protein (p.Arg633Gln). This variant is present in population databases (rs745614941, gnomAD 0.02%). This variant has not been reported in the literature in individuals affected with MRE11-related conditions. ClinVar contains an entry for this variant (Variation ID: 479731). Algorithms developed to predict the effect of missense changes on protein structure and function output the following: SIFT: "Tolerated"; PolyPhen-2: "Benign"; Align-GVGD: "Class C0". The glutamine amino acid residue is found in multiple mammalian species, which suggests that this missense change does not adversely affect protein function. In summary, the available evidence is currently insufficient to determine the role of this variant in disease. Therefore, it has been classified as a Variant of Uncertain Significance.